The following is an entry in ClinVar:

ClinVar aggregate classification (germline): Benign/Likely benign. Review status: criteria provided, multiple submitters, no conflicts (2 of 4 stars). 4 submissions from 4 submitters: Benign (1); Likely benign (3). Last evaluated 2024-06-13.

Conditions:
Hereditary cancer-predisposing syndrome. Also called: Tumor predisposition; Hereditary neoplastic syndrome; Neoplastic Syndromes, Hereditary; Hereditary Cancer Syndrome. Identifiers: Orphanet 140162, MedGen C0027672, MeSH D009386, MONDO:0015356.
Familial cancer of breast. Also called: Hereditary breast cancer; BREAST CANCER, FAMILIAL; hereditary breast carcinoma. Identifiers: Orphanet 227535, MedGen C0346153, MONDO:0016419, OMIM 114480. Disease mechanism: loss of function.
Ataxia-telangiectasia syndrome (AT). Also called: Ataxia-telangiectasia, complementation group D; AT, COMPLEMENTATION GROUP C; ATAXIA-TELANGIECTASIA, COMPLEMENTATION GROUP A; ATAXIA-TELANGIECTASIA, FRESNO VARIANT; Ataxia-telangiectasia; LOUIS-BAR SYNDROME. Identifiers: Orphanet 100, MedGen C0004135, MONDO:0008840, OMIM 208900.

Allele frequency attached by ClinVar (database versions not stated): gnomAD exomes below 0.00001.
gnomAD v4.1: 1 of 1,614,168 alleles (0.000062%); highest among the groups gnomAD compares: Middle Eastern, 0.016%; no homozygotes.

Submissions (4):

Myriad Genetics, Inc.
Classification: Benign for Familial cancer of breast. Last evaluated: 2024-06-13. Review status: criteria provided, single submitter. Criteria: Myriad Autosomal Dominant, Autosomal Recessive and X-Linked Classification Criteria (2023). Collection method: clinical testing. Allele origin: unknown.
Comment: This variant is considered benign. This variant is a silent/synonymous amino acid change and it is not expected to impact splicing.

Labcorp Genetics (formerly Invitae), Labcorp
Classification: Likely benign for Ataxia-telangiectasia syndrome. Last evaluated: 2022-12-31. Review status: criteria provided, single submitter. Criteria: Invitae Variant Classification Sherloc (09022015). Collection method: clinical testing. Allele origin: germline.

Ambry Genetics
Classification: Likely benign for Hereditary cancer-predisposing syndrome. Last evaluated: 2022-11-18. Review status: criteria provided, single submitter. Criteria: Ambry Variant Classification Scheme 2023. Collection method: clinical testing. Allele origin: germline.

Color Diagnostics, LLC DBA Color Health
Classification: Likely benign for Hereditary cancer-predisposing syndrome. Last evaluated: 2018-05-29. Review status: criteria provided, single submitter. Criteria: ACMG Guidelines, 2015. Collection method: clinical testing. Allele origin: germline.

NM_000051.4(ATM):c.7401T>G (p.Val2467=)

Genes: ATM (ATM serine/threonine kinase; plus strand), C11orf65 (chromosome 11 open reading frame 65; minus strand). Cytogenetic location: 11q22.3.
Variant type: single nucleotide variant.
Coding change: c.7401T>G on transcript NM_000051.4 (MANE Select); coding-DNA position 7401, T replaced by G.
Protein change: p.Val2467=; no amino-acid change (valine 2467 retained).
Molecular consequence: synonymous variant. On other transcripts: intron variant (2).
Genome position (GRCh38, 1-based): chr11:108,330,307, T>G. VCF-style: chr11-108330307-T-G. GRCh37 (hg19) VCF-style: chr11-108201034-T-G.
Other names: c.7401T>G, p.Val2467= (NM_001351834.2); c.641-21236A>C (NM_001330368.2); c.*38+4913A>C (NM_001351110.2).
Identifiers: ClinVar variation 627717 (VCV000627717.12), dbSNP rs1565529761, ClinGen allele CA476676905.